The following is an entry in ClinVar:

NM_182914.3(SYNE2):c.4067A>G (p.Asn1356Ser)

Gene: SYNE2 (spectrin repeat containing nuclear envelope protein 2; plus strand). Cytogenetic location: 14q23.2.
Variant type: single nucleotide variant.
Coding change: c.4067A>G on transcript NM_182914.3 (MANE Select); coding-DNA position 4067, A replaced by G.
Protein change: p.Asn1356Ser; replaces asparagine 1356 with serine.
Molecular consequence: missense variant.
Genome position (GRCh38, 1-based): chr14:64,003,000, A>G. VCF-style: chr14-64003000-A-G. GRCh37 (hg19) VCF-style: chr14-64469718-A-G.
Other names: c.4067A>G, p.Asn1356Ser (NM_015180.6); short protein forms N1356S.
Identifiers: ClinVar variation 3664368 (VCV003664368.2).

ClinVar aggregate classification (germline): Uncertain significance (1 of 4 stars; one submission).

Conditions:
Emery-Dreifuss muscular dystrophy 5, autosomal dominant (EDMD5). Also called: EMERY-DREIFUSS MUSCULAR DYSTROPHY 5. Identifiers: Orphanet 261, MedGen C2751805, MONDO:0013072, OMIM 612999.

gnomAD v4.1: 1 of 1,614,212 alleles (0.000062%); highest among the groups gnomAD compares: Non-Finnish European, 0.000085%; no homozygotes.

Submission:

Labcorp Genetics (formerly Invitae), Labcorp
Classification: Uncertain significance for Emery-Dreifuss muscular dystrophy 5, autosomal dominant. Last evaluated: 2024-09-03. Review status: criteria provided, single submitter. Criteria: Invitae Variant Classification Sherloc (09022015). Collection method: clinical testing. Allele origin: germline.
Comment: This sequence change replaces asparagine, which is neutral and polar, with serine, which is neutral and polar, at codon 1356 of the SYNE2 protein (p.Asn1356Ser). This variant is not present in population databases (gnomAD no frequency). This variant has not been reported in the literature in individuals affected with SYNE2-related conditions. An algorithm developed to predict the effect of missense changes on protein structure and function outputs the following: PolyPhen-2: "Benign". The serine amino acid residue is found in multiple mammalian species, which suggests that this missense change does not adversely affect protein function. In summary, the available evidence is currently insufficient to determine the role of this variant in disease. Therefore, it has been classified as a Variant of Uncertain Significance.